The following is an entry in ClinVar:

NM_001018115.3(FANCD2):c.1178C>G (p.Thr393Ser)

Genes: FANCD2 (FA complementation group D2; plus strand), LOC107303338 (3p25 FANCD2 Alu-mediated recombination region; plus strand). Cytogenetic location: 3p25.3.
Variant type: single nucleotide variant.
Coding change: c.1178C>G on transcript NM_001018115.3 (MANE Select); coding-DNA position 1178, C replaced by G.
Protein change: p.Thr393Ser; replaces threonine 393 with serine.
Molecular consequence: missense variant.
Genome position (GRCh38, 1-based): chr3:10,046,623, C>G. VCF-style: chr3-10046623-C-G. GRCh37 (hg19) VCF-style: chr3-10088307-C-G.
Other names: c.1178C>G, p.Thr393Ser (NM_001319984.2, NM_001374253.1, NM_001374254.1 and 1 more transcripts); short protein forms T393S.
Identifiers: ClinVar variation 966910 (VCV000966910.8), dbSNP rs765339192, ClinGen allele CA351733774.

ClinVar aggregate classification (germline): Uncertain significance (1 of 4 stars; one submission).

Conditions:
Fanconi anemia (FA). Also called: Fanconi's anemia. Identifiers: Orphanet 84, MedGen C0015625, MeSH D005199, MONDO:0019391.

Submission:

Labcorp Genetics (formerly Invitae), Labcorp
Classification: Uncertain significance for Fanconi anemia. Last evaluated: 2019-01-01. Review status: criteria provided, single submitter. Criteria: Invitae Variant Classification Sherloc (09022015). Collection method: clinical testing. Allele origin: germline.
Comment: Algorithms developed to predict the effect of missense changes on protein structure and function (SIFT, PolyPhen-2, Align-GVGD) all suggest that this variant is likely to be tolerated, but these predictions have not been confirmed by published functional studies and their clinical significance is uncertain. In summary, the available evidence is currently insufficient to determine the role of this variant in disease. Therefore, it has been classified as a Variant of Uncertain Significance. This variant has not been reported in the literature in individuals with FANCD2-related conditions. This variant is not present in population databases (ExAC no frequency). This sequence change replaces threonine with serine at codon 393 of the FANCD2 protein (p.Thr393Ser). The threonine residue is weakly conserved and there is a small physicochemical difference between threonine and serine.